The following is an entry in ClinVar:

NM_001374736.1(DST):c.20551G>A (p.Val6851Ile)

Gene: DST (dystonin; minus strand). Cytogenetic location: 6p12.1.
Variant type: single nucleotide variant.
Coding change: c.20551G>A on transcript NM_001374736.1 (MANE Select); coding-DNA position 20551, G replaced by A.
Protein change: p.Val6851Ile; replaces valine 6851 with isoleucine.
Molecular consequence: missense variant.
Genome position (GRCh38, 1-based): chr6:56,492,433, C>T on the plus strand (G>A on the coding strand, the complement: DST is on the minus strand). VCF-style: chr6-56492433-C-T. GRCh37 (hg19) VCF-style: chr6-56357231-C-T.
Other names: c.14194G>A, p.Val4732Ile (NM_001144769.5); c.13780G>A, p.Val4594Ile (NM_001144770.2); c.20551G>A, p.Val6851Ile (NM_001374722.1); c.19591G>A, p.Val6531Ile (NM_001374729.1); c.13333G>A, p.Val4445Ile (NM_001374730.1); c.20578G>A, p.Val6860Ile (NM_001374734.1); c.13660G>A, p.Val4554Ile (NM_001386100.1, NM_183380.4); c.12682G>A, p.Val4228Ile (NM_015548.5); short protein forms V6851I, V6860I, V4554I, V4594I, V4732I, V6531I, V4228I, V4445I.
Identifiers: ClinVar variation 1505451 (VCV001505451.6), dbSNP rs2095780097, ClinGen allele CA364515631.

ClinVar aggregate classification (germline): Uncertain significance (1 of 4 stars; one submission).

Conditions:
Hereditary sensory and autonomic neuropathy type 6. Also called: Neuropathy, hereditary sensory and autonomic, type VI; HSAN VI. Identifiers: Orphanet 314381, MedGen C3539003, MONDO:0013839, OMIM 614653.
Epidermolysis bullosa simplex 3, localized or generalized intermediate, with BP230 deficiency (EBS3). Also called: Epidermolysis bullosa simplex due to BP230 deficiency; Epidermolysis bullosa simplex, autosomal recessive 2. Identifiers: Orphanet 412181, MedGen C3809470, MONDO:0014180, OMIM 615425.

Allele frequency attached by ClinVar (database versions not stated): TOPMed below 0.00001.

Submission:

Labcorp Genetics (formerly Invitae), Labcorp
Classification: Uncertain significance for Epidermolysis bullosa simplex 3, localized or generalized intermediate, with BP230 deficiency; Hereditary sensory and autonomic neuropathy type 6. Last evaluated: 2020-12-16. Review status: criteria provided, single submitter. Criteria: Invitae Variant Classification Sherloc (09022015). Collection method: clinical testing. Allele origin: germline.
Comment: In summary, the available evidence is currently insufficient to determine the role of this variant in disease. Therefore, it has been classified as a Variant of Uncertain Significance. Experimental studies and prediction algorithms are not available or were not evaluated, and the functional significance of this variant is currently unknown. This variant has not been reported in the literature in individuals with DST-related conditions. This variant is not present in population databases (ExAC no frequency). This sequence change replaces valine with isoleucine at codon 4228 of the DST protein (p.Val4228Ile). The DST gene has multiple clinically relevant transcripts. This variant occurs in alternate transcript NM_015548.4, and corresponds to NM_001723.5:c.*123084G>A in the primary transcript.